The following is an entry in ClinVar:

NM_152490.5(B3GALNT2):c.954T>A (p.Asp318Glu)

Gene: B3GALNT2 (beta-1,3-N-acetylgalactosaminyltransferase 2; minus strand). Cytogenetic location: 1q42.3.
Variant type: single nucleotide variant.
Coding change: c.954T>A on transcript NM_152490.5 (MANE Select); coding-DNA position 954, T replaced by A.
Protein change: p.Asp318Glu; replaces aspartic acid 318 with glutamic acid.
Molecular consequence: missense variant.
Genome position (GRCh38, 1-based): chr1:235,458,674, A>T on the plus strand (T>A on the coding strand, the complement: B3GALNT2 is on the minus strand). VCF-style: chr1-235458674-A-T. GRCh37 (hg19) VCF-style: chr1-235621982-A-T.
Other names: short protein forms D318E.
Identifiers: ClinVar variation 1376741 (VCV001376741.4), dbSNP rs994102365, ClinGen allele CA39609924.
Genomic context (GRCh38, chr1:235,458,674, plus strand): 5'-GTTCAATAATTTTGCAGGAACATTACGATAAGTGTCGACAACATCCACAAAAACAATATC[A>T]TCATAGATGCTGCTTTCCTCCTTCAGTAAGGCATCTTCCTCATGGAGATTCCTTATATGA-3'
Protein context (NP_689703.1, residues 308-328): ALLKEESSIY[Asp318Glu]DIVFVDVVDT

ClinVar aggregate classification (germline): Uncertain significance (1 of 4 stars; one submission).

Conditions:
Muscular dystrophy-dystroglycanopathy (congenital with brain and eye anomalies), type a, 11 (MDDGA11). Also called: WALKER-WARBURG SYNDROME OR MUSCLE-EYE-BRAIN DISEASE, B3GALNT2-RELATED; Muscular dystrophy-dystroglycanopathy (congenital with brain and eye anomalies, type A, 11; Congenital muscular dystrophy-dystroglycanopathy with brain and eye anomalies, type A11. Identifiers: Orphanet 588, Orphanet 899, MedGen C3554638, MONDO:0014071, OMIM 615181.

Allele frequency attached by ClinVar (database versions not stated): gnomAD 0.00001; TOPMed 0.00001.
gnomAD v4.1: 1 of 1,613,114 alleles (0.000062%); highest among the groups gnomAD compares: Non-Finnish European, 0.000085%; no homozygotes.

Submission:

Labcorp Genetics (formerly Invitae), Labcorp
Classification: Uncertain significance for Muscular dystrophy-dystroglycanopathy (congenital with brain and eye anomalies), type a, 11. Last evaluated: 2023-05-23. Review status: criteria provided, single submitter. Criteria: Invitae Variant Classification Sherloc (09022015). Collection method: clinical testing. Allele origin: germline.
Comment: This sequence change replaces aspartic acid, which is acidic and polar, with glutamic acid, which is acidic and polar, at codon 318 of the B3GALNT2 protein (p.Asp318Glu). This variant is not present in population databases (gnomAD no frequency). This variant has not been reported in the literature in individuals affected with B3GALNT2-related conditions. ClinVar contains an entry for this variant (Variation ID: 1376741). Advanced modeling of protein sequence and biophysical properties (such as structural, functional, and spatial information, amino acid conservation, physicochemical variation, residue mobility, and thermodynamic stability) performed at Invitae indicates that this missense variant is not expected to disrupt B3GALNT2 protein function. In summary, the available evidence is currently insufficient to determine the role of this variant in disease. Therefore, it has been classified as a Variant of Uncertain Significance.